The following is an entry in ClinVar:

ClinVar aggregate classification (germline): Uncertain significance (1 of 4 stars; one submission).

Conditions:
Werner syndrome (WRN). Identifiers: Orphanet 902, MedGen C0043119, MONDO:0010196, OMIM 277700.

Allele frequency attached by ClinVar (database versions not stated): TOPMed below 0.00001; gnomAD 0.00001; gnomAD exomes 0.00001.
gnomAD v4.1: 9 of 1,613,966 alleles (0.00056%); highest among the groups gnomAD compares: Non-Finnish European, 0.00068%; no homozygotes.

Submission:

Labcorp Genetics (formerly Invitae), Labcorp
Classification: Uncertain significance for Werner syndrome. Last evaluated: 2024-10-07. Review status: criteria provided, single submitter. Criteria: Invitae Variant Classification Sherloc (09022015). Collection method: clinical testing. Allele origin: germline.
Comment: This sequence change replaces proline, which is neutral and non-polar, with alanine, which is neutral and non-polar, at codon 1323 of the WRN protein (p.Pro1323Ala). This variant is present in population databases (no rsID available, gnomAD 0.002%). This variant has not been reported in the literature in individuals affected with WRN-related conditions. ClinVar contains an entry for this variant (Variation ID: 576944). An algorithm developed to predict the effect of missense changes on protein structure and function (PolyPhen-2) suggests that this variant is likely to be disruptive. In summary, the available evidence is currently insufficient to determine the role of this variant in disease. Therefore, it has been classified as a Variant of Uncertain Significance.

NM_000553.6(WRN):c.3967C>G (p.Pro1323Ala)

Gene: WRN (WRN RecQ like helicase; plus strand). Cytogenetic location: 8p12.
Variant type: single nucleotide variant.
Coding change: c.3967C>G on transcript NM_000553.6 (MANE Select); coding-DNA position 3967, C replaced by G.
Protein change: p.Pro1323Ala; replaces proline 1323 with alanine.
Molecular consequence: missense variant.
Genome position (GRCh38, 1-based): chr8:31,157,515, C>G. VCF-style: chr8-31157515-C-G. GRCh37 (hg19) VCF-style: chr8-31015031-C-G.
Other names: short protein forms P1323A.
Identifiers: ClinVar variation 576944 (VCV000576944.5), dbSNP rs1432145187, ClinGen allele CA370929696.
Genomic context (GRCh38, chr8:31,157,515, plus strand): 5'-TTGGAGCGAGCAGGCCTGACTCCAGAGGTTCAGAAGATTATTGCTGATGTTATCCGAAAC[C>G]CTCCCGTCAACTCAGGTGAGAGGCATGGCCTAGCTCTGCACCCTTAATGACTTGATGAAG-3'
Protein context (NP_000544.2, residues 1313-1333): QKIIADVIRN[Pro1323Ala]PVNSDMSKIS